The following is an entry in ClinVar:

ClinVar aggregate classification (germline): Uncertain significance (1 of 4 stars; one submission).

gnomAD v4.1: 32 of 1,597,172 alleles (0.002%); highest among the groups gnomAD compares: African/African-American, 0.038%; no homozygotes.

Submission:

Labcorp Genetics (formerly Invitae), Labcorp
Classification: Uncertain significance. Last evaluated: 2025-07-28. Review status: criteria provided, single submitter. Criteria: Invitae Variant Classification Sherloc (09022015). Collection method: clinical testing. Allele origin: germline.
Comment: This sequence change creates a premature translational stop signal (p.Glu241*) in the KRT74 gene. It is expected to result in an absent or disrupted protein product. However, the current clinical and genetic evidence is not sufficient to establish whether loss-of-function variants in KRT74 cause disease. This variant is present in population databases (rs201088197, gnomAD 0.04%). This variant has not been reported in the literature in individuals affected with KRT74-related conditions. Algorithms developed to predict the effect of sequence changes on RNA splicing suggest that this variant may disrupt the consensus splice site. In summary, the available evidence is currently insufficient to determine the role of this variant in disease. Therefore, it has been classified as a Variant of Uncertain Significance.

NM_175053.4(KRT74):c.721G>T (p.Glu241Ter)

Gene: KRT74 (keratin 74; minus strand). Cytogenetic location: 12q13.13.
Variant type: single nucleotide variant.
Coding change: c.721G>T on transcript NM_175053.4 (MANE Select); coding-DNA position 721, G replaced by T.
Protein change: p.Glu241Ter; replaces glutamic acid 241 with a stop codon.
Molecular consequence: nonsense.
Genome position (GRCh38, 1-based): chr12:52,571,970, C>A on the plus strand (G>T on the coding strand, the complement: KRT74 is on the minus strand). VCF-style: chr12-52571970-C-A. GRCh37 (hg19) VCF-style: chr12-52965754-C-A.
Other names: short protein forms E241*.
Identifiers: ClinVar variation 4750866 (VCV004750866.1), dbSNP rs201088197.